The following is an entry in ClinVar:

Conditions:
Breast-ovarian cancer, familial, susceptibility to, 1 (BROVCA1). Also called: BRCA1 Hereditary Breast and Ovarian Cancer; OVARIAN CANCER, SUSCEPTIBILITY TO. Identifiers: Orphanet 145, MedGen C2676676, MONDO:0011450, OMIM 604370. Disease mechanism: loss of function.

Submission:

Brotman Baty Institute, University of Washington
No classification provided (evidence only). Condition: Breast-ovarian cancer, familial 1. Review status: no classification provided. Collection method: in vitro. Allele origin: not applicable. Functional consequence: functionally_abnormal.
ClinVar note: "not provided" was previously submitted as the classification for the variant. However, the classification appeared to be based only on an observation of functional data so it was converted to no classification on 2025-07-30.

NM_007294.4(BRCA1):c.5091T>A (p.Cys1697Ter)

Gene: BRCA1 (BRCA1 DNA repair associated; minus strand). Cytogenetic location: 17q21.31.
Variant type: single nucleotide variant.
Coding change: c.5091T>A on transcript NM_007294.4 (MANE Select); coding-DNA position 5091, T replaced by A.
Protein change: p.Cys1697Ter; replaces cysteine 1697 with a stop codon.
Molecular consequence: nonsense. On other transcripts: non-coding transcript variant (1).
Genome position (GRCh38, 1-based): chr17:43,063,935, A>T on the plus strand (T>A on the coding strand, the complement: BRCA1 is on the minus strand). VCF-style: chr17-43063935-A-T. GRCh37 (hg19) VCF-style: chr17-41215952-A-T.
Other names: c.1542T>A, p.Cys514Ter (NM_001408494.1); c.1536T>A, p.Cys512Ter (NM_001408495.1); c.1518T>A, p.Cys506Ter (NM_001408496.1, NM_001408497.1, NM_001408498.1 and 3 more transcripts); c.1452T>A, p.Cys484Ter (NM_001408507.1); c.1443T>A, p.Cys481Ter (NM_001408508.1); c.1440T>A, p.Cys480Ter (NM_001408509.1); c.1401T>A, p.Cys467Ter (NM_001408510.1); c.1398T>A, p.Cys466Ter (NM_001408511.1); and 71 more; short protein forms C1650*, C593*, C1697*, C1718*, C1401*, C1570*, C1584*, C1607*.
Identifiers: ClinVar variation 867632 (VCV000867632.3), dbSNP rs1597820426, ClinGen allele CA10591344.